The following is an entry in ClinVar:

ClinVar aggregate classification (germline): Conflicting classifications of pathogenicity. Review status: criteria provided, conflicting classifications (1 of 4 stars). 3 submissions from 3 submitters: Pathogenic (2); Uncertain significance (1). Last evaluated 2025-05-18.

Conditions:
Seizure. Also called: Seizures. Identifiers: MedGen C0036572, HP:0001250.
Pyridoxine-dependent epilepsy (EPEO4). Also called: PYRIDOXINE DEPENDENCY WITH SEIZURES; Pyridoxine-Dependent Seizures; EPILEPSY, EARLY-ONSET, 4, VITAMIN B6-DEPENDENT; Pyridoxine-Dependent Epilepsy - ALDH7A1. Identifiers: Orphanet 3006, MedGen C1849508, MONDO:0009945, OMIM 266100. Disease mechanism: loss of function.

Allele frequency attached by ClinVar (database versions not stated): gnomAD exomes below 0.00001.
gnomAD v4.1: 2 of 1,614,072 alleles (0.00012%); highest among the groups gnomAD compares: Non-Finnish European, 0.00017%; no homozygotes.

Submissions (3):

GeneDx
Classification: Uncertain significance. Last evaluated: 2025-05-18. Review status: criteria provided, single submitter. Criteria: GeneDx Variant Classification Process June 2021. Collection method: clinical testing. Allele origin: germline. Affected: yes.
Comment: Reported with a second ALDH7A1 variant in at least one patient with pyridoxine dependent epilepsy (PMID: 23953072, 30043187); Not observed at significant frequency in large population cohorts (gnomAD); In silico analysis supports that this missense variant has a deleterious effect on protein structure/function; Also known as p.(P343L); This variant is associated with the following publications: (PMID: 34426522, 30043187, 23953072)

Cytogénomique, Hospices Civils de Lyon
Classification: Pathogenic for Seizure. Last evaluated: 2024-03-01. Review status: criteria provided, single submitter. Criteria: ACMG Guidelines, 2015. Collection method: clinical testing. Allele origin: unknown. Affected: yes.

Labcorp Genetics (formerly Invitae), Labcorp
Classification: Pathogenic for Pyridoxine-dependent epilepsy. Last evaluated: 2022-05-13. Review status: criteria provided, single submitter. Criteria: Invitae Variant Classification Sherloc (09022015). Collection method: clinical testing. Allele origin: germline.
Comment: For these reasons, this variant has been classified as Pathogenic. Advanced modeling of protein sequence and biophysical properties (such as structural, functional, and spatial information, amino acid conservation, physicochemical variation, residue mobility, and thermodynamic stability) performed at Invitae indicates that this missense variant is expected to disrupt ALDH7A1 protein function. This variant is also known as P343L. This missense change has been observed in individual(s) with clinical features of pyridoxine-dependent epilepsy (PMID: 23953072; Invitae). This variant is present in population databases (no rsID available, gnomAD 0.0009%). This sequence change replaces proline, which is neutral and non-polar, with leucine, which is neutral and non-polar, at codon 371 of the ALDH7A1 protein (p.Pro371Leu).

Literature cited by the submitters: PubMed 23953072 (cited by Labcorp Genetics (formerly Invitae), Labcorp).

NM_001182.5(ALDH7A1):c.1112C>T (p.Pro371Leu)

Gene: ALDH7A1 (aldehyde dehydrogenase 7 family member A1; minus strand). Cytogenetic location: 5q23.2.
Variant type: single nucleotide variant.
Coding change: c.1112C>T on transcript NM_001182.5 (MANE Select); coding-DNA position 1112, C replaced by T.
Protein change: p.Pro371Leu; replaces proline 371 with leucine.
Molecular consequence: missense variant. On other transcripts: intron variant (1).
Genome position (GRCh38, 1-based): chr5:126,554,375, G>A on the plus strand (C>T on the coding strand, the complement: ALDH7A1 is on the minus strand). VCF-style: chr5-126554375-G-A. GRCh37 (hg19) VCF-style: chr5-125890067-G-A.
Other names: c.1028C>T, p.Pro343Leu (NM_001201377.2); c.1009-2238C>T (NM_001202404.2); c.1112C>T (NM_001182.4); short protein forms P343L, P371L.
Identifiers: ClinVar variation 2136324 (VCV002136324.6), dbSNP rs1272252113, ClinGen allele CA360723921.